The following is an entry in ClinVar:

NM_002755.4(MAP2K1):c.503A>G (p.Lys168Arg)

Gene: MAP2K1 (mitogen-activated protein kinase kinase 1; plus strand). Cytogenetic location: 15q22.31.
Variant type: single nucleotide variant.
Coding change: c.503A>G on transcript NM_002755.4 (MANE Select); coding-DNA position 503, A replaced by G.
Protein change: p.Lys168Arg; replaces lysine 168 with arginine.
Molecular consequence: missense variant.
Genome position (GRCh38, 1-based): chr15:66,443,344, A>G. VCF-style: chr15-66443344-A-G. GRCh37 (hg19) VCF-style: chr15-66735682-A-G.
Other names: short protein forms K168R.
Identifiers: ClinVar variation 1320746 (VCV001320746.7), dbSNP rs886051366, ClinGen allele CA10647289.

ClinVar aggregate classification (germline): Uncertain significance. Review status: criteria provided, multiple submitters, no conflicts (2 of 4 stars). 3 submissions from 3 submitters: Uncertain significance (3). Last evaluated 2022-07-08.

Conditions:
RASopathy. Also called: Noonan spectrum disorder; rasopathies. Identifiers: Orphanet 536391, MedGen C5555857, MONDO:0021060.
Cardiovascular phenotype. Identifiers: MedGen CN230736.

Allele frequency attached by ClinVar (database versions not stated): TOPMed 0.00001.
gnomAD v4.1: 18 of 1,607,334 alleles (0.0011%); highest among the groups gnomAD compares: East Asian, 0.038%; 1 homozygote.

Submissions (3):

Ambry Genetics
Classification: Uncertain significance for Cardiovascular phenotype. Last evaluated: 2022-07-08. Review status: criteria provided, single submitter. Criteria: Ambry Variant Classification Scheme 2023. Collection method: clinical testing. Allele origin: germline.

Labcorp Genetics (formerly Invitae), Labcorp
Classification: Uncertain significance for RASopathy. Last evaluated: 2022-06-23. Review status: criteria provided, single submitter. Criteria: Invitae Variant Classification Sherloc (09022015). Collection method: clinical testing. Allele origin: germline.
Comment: In summary, the available evidence is currently insufficient to determine the role of this variant in disease. Therefore, it has been classified as a Variant of Uncertain Significance. Advanced modeling of protein sequence and biophysical properties (such as structural, functional, and spatial information, amino acid conservation, physicochemical variation, residue mobility, and thermodynamic stability) performed at Invitae indicates that this missense variant is not expected to disrupt MAP2K1 protein function. ClinVar contains an entry for this variant (Variation ID: 1320746). This variant has not been reported in the literature in individuals affected with MAP2K1-related conditions. This variant is not present in population databases (gnomAD no frequency). This sequence change replaces lysine, which is basic and polar, with arginine, which is basic and polar, at codon 168 of the MAP2K1 protein (p.Lys168Arg).

GeneDx
Classification: Uncertain significance. Last evaluated: 2019-12-19. Review status: criteria provided, single submitter. Criteria: GeneDx Variant Classification Process June 2021. Collection method: clinical testing. Allele origin: germline. Affected: yes.
Comment: Not observed in large population cohorts (Lek et al., 2016); The majority of missense variants in this gene are considered pathogenic (Stenson et al., 2014); In silico analysis, which includes protein predictors and evolutionary conservation, supports that this variant does not alter protein structure/function; Has not been previously published as pathogenic or benign in association with a Noonan spectrum disorder to our knowledge; This variant is associated with the following publications: (PMID: 29078173)